The following is an entry in ClinVar:

NM_182493.3(MYLK3):c.2115-14T>C

Gene: MYLK3 (myosin light chain kinase 3; minus strand). Cytogenetic location: 16q11.2.
Variant type: single nucleotide variant.
Coding change: c.2115-14T>C on transcript NM_182493.3 (MANE Select); 14 bases into the intron before coding-DNA position 2115, T replaced by C.
Molecular consequence: intron variant.
Genome position (GRCh38, 1-based): chr16:46,710,803, A>G on the plus strand (T>C on the coding strand, the complement: MYLK3 is on the minus strand). VCF-style: chr16-46710803-A-G. GRCh37 (hg19) VCF-style: chr16-46744715-A-G.
Other names: c.1092-14T>C (NM_001308301.1).
Identifiers: ClinVar variation 3620632 (VCV003620632.2).

ClinVar aggregate classification (germline): Uncertain significance (1 of 4 stars; one submission).

Submission:

Labcorp Genetics (formerly Invitae), Labcorp
Classification: Uncertain significance. Last evaluated: 2025-06-24. Review status: criteria provided, single submitter. Criteria: Invitae Variant Classification Sherloc (09022015). Collection method: clinical testing. Allele origin: germline.
Comment: This sequence change falls in intron 10 of the MYLK3 gene. It does not directly change the encoded amino acid sequence of the MYLK3 protein. This variant is not present in population databases (gnomAD no frequency). This variant has not been reported in the literature in individuals affected with MYLK3-related conditions. ClinVar contains an entry for this variant (Variation ID: 3620632). Algorithms developed to predict the effect of sequence changes on RNA splicing suggest that this variant may disrupt the consensus splice site. In summary, the available evidence is currently insufficient to determine the role of this variant in disease. Therefore, it has been classified as a Variant of Uncertain Significance.